The following is an entry in ClinVar:

ClinVar aggregate classification (germline): Uncertain significance. Review status: criteria provided, multiple submitters, no conflicts (2 of 4 stars). 4 submissions from 4 submitters: Uncertain significance (4). Last evaluated 2025-11-18.

Conditions:
Colorectal cancer. Also called: Malignant Colorectal Neoplasm; Colorectal cancer, somatic. Identifiers: MedGen C0346629, MONDO:0005575, OMIM 114500.
Hereditary cancer-predisposing syndrome. Also called: Hereditary neoplastic syndrome; Neoplastic Syndromes, Hereditary; Hereditary Cancer Syndrome; Tumor predisposition. Identifiers: Orphanet 140162, MedGen C0027672, MeSH D009386, MONDO:0015356.
Oligodontia-cancer predisposition syndrome. Also called: TOOTH AGENESIS-COLORECTAL CANCER SYNDROME. Identifiers: Orphanet 300576, MedGen C1837750, MONDO:0012075, OMIM 608615. Disease mechanism: loss of function.

Allele frequency attached by ClinVar (database versions not stated): gnomAD exomes below 0.00001; gnomAD 0.00001; TOPMed 0.00001.

Submissions (4):

Labcorp Genetics (formerly Invitae), Labcorp
Classification: Uncertain significance for Oligodontia-cancer predisposition syndrome. Last evaluated: 2025-11-18. Review status: criteria provided, single submitter. Criteria: Invitae Variant Classification Sherloc (09022015). Collection method: clinical testing. Allele origin: germline.
Comment: This sequence change replaces proline, which is neutral and non-polar, with serine, which is neutral and polar, at codon 498 of the AXIN2 protein (p.Pro498Ser). This variant is not present in population databases (gnomAD no frequency). This variant has not been reported in the literature in individuals affected with AXIN2-related conditions. ClinVar contains an entry for this variant (Variation ID: 660666). An algorithm developed to predict the effect of missense changes on protein structure and function (PolyPhen-2) suggests that this variant is likely to be tolerated. In summary, the available evidence is currently insufficient to determine the role of this variant in disease. Therefore, it has been classified as a Variant of Uncertain Significance.

Ambry Genetics
Classification: Uncertain significance for Hereditary cancer-predisposing syndrome. Last evaluated: 2025-10-05. Review status: criteria provided, single submitter. Criteria: Ambry Variant Classification Scheme 2023. Collection method: clinical testing. Allele origin: germline.
Comment: The p.P498S variant (also known as c.1492C>T), located in coding exon 5 of the AXIN2 gene, results from a C to T substitution at nucleotide position 1492. The proline at codon 498 is replaced by serine, an amino acid with similar properties. This amino acid position is not well conserved in available vertebrate species. In addition, this alteration is predicted to be tolerated by in silico analysis. Since supporting evidence is limited at this time, the clinical significance of this alteration remains unclear.

Baylor Genetics
Classification: Uncertain significance for Colorectal cancer. Last evaluated: 2024-03-05. Review status: criteria provided, single submitter. Criteria: ACMG Guidelines, 2015. Collection method: clinical testing. Allele origin: unknown.

GeneDx
Classification: Uncertain significance. Last evaluated: 2023-07-26. Review status: criteria provided, single submitter. Criteria: GeneDx Variant Classification Process June 2021. Collection method: clinical testing. Allele origin: germline. Affected: yes.
Comment: Not observed at significant frequency in large population cohorts (gnomAD); In silico analysis supports that this missense variant does not alter protein structure/function; Has not been previously published as pathogenic or benign to our knowledge

NM_004655.4(AXIN2):c.1492C>T (p.Pro498Ser)

Gene: AXIN2 (axin 2; minus strand). Cytogenetic location: 17q24.1.
Variant type: single nucleotide variant.
Coding change: c.1492C>T on transcript NM_004655.4 (MANE Select); coding-DNA position 1492, C replaced by T.
Protein change: p.Pro498Ser; replaces proline 498 with serine.
Molecular consequence: missense variant.
Genome position (GRCh38, 1-based): chr17:65,537,544, G>A on the plus strand (C>T on the coding strand, the complement: AXIN2 is on the minus strand). VCF-style: chr17-65537544-G-A. GRCh37 (hg19) VCF-style: chr17-63533662-G-A.
Other names: c.1492C>T (LRG_296t1); c.1492C>T, p.Pro498Ser (NM_001363813.1); short protein forms P498S.
Identifiers: ClinVar variation 660666 (VCV000660666.16), dbSNP rs1279915902, ClinGen allele CA400677399.